The following is an entry in ClinVar:

NM_001127511.3(APC):c.165+20687A>G

Gene: APC (APC regulator of Wnt signaling pathway; plus strand). Cytogenetic location: 5q22.2.
Variant type: single nucleotide variant.
Coding change: c.165+20687A>G on transcript NM_001127511.3; 20687 bases into the intron after coding-DNA position 165, A replaced by G.
Molecular consequence: intron variant.
Genome position (GRCh38, 1-based): chr5:112,728,569, A>G. VCF-style: chr5-112728569-A-G. GRCh37 (hg19) VCF-style: chr5-112064266-A-G.
Other names: c.-1054+20687A>G (NM_001407470.1, NM_001407472.1); c.-19+20687A>G (NM_001407447.1, NM_001354895.2, NM_001407456.1 and 3 more transcripts); c.165+20687A>G (NM_001407446.1, NM_001354897.2, NM_001354902.2); c.-19+20920A>G (NM_001407448.1, NM_001407450.1, NM_001407457.1 and 1 more transcripts); c.-43+20920A>G (NM_001407453.1).
Identifiers: ClinVar variation 82291 (VCV000082291.4), dbSNP rs77637872, ClinGen allele CA023493.

ClinVar aggregate classification (germline): other (0 of 4 stars; one submission).

Conditions:
Familial colorectal cancer. Identifiers: MedGen CN280943, MONDO:0023113. Disease mechanism: loss of function.

Submission:

Systems Biology Platform Zhejiang California International NanoSystems Institute
Classification: other for Familial colorectal cancer. Review status: no assertion criteria provided. Collection method: not provided. Allele origin: unknown.
ClinVar note: Converted during submission from cancer to other.